The following is an entry in ClinVar:

ClinVar aggregate classification (germline): Benign/Likely benign. Review status: criteria provided, multiple submitters, no conflicts (2 of 4 stars). 8 submissions from 8 submitters: Benign (2); Likely benign (3). 3 of the submissions do not count toward it. Last evaluated 2026-06-01.

Conditions:
PIEZO1-related disorder. Also called: PIEZO1-related condition; PIEZO1-Related Disorders.

Allele frequency attached by ClinVar (database versions not stated): 1000 Genomes Project 30x 0.00265; 1000 Genomes Project 0.00300; gnomAD 0.00535; TOPMed 0.00663.
gnomAD v4.1: 12,107 of 1,540,866 alleles (0.79%); highest among the groups gnomAD compares: Admixed American, 0.96%; 57 homozygotes.

Submissions (8):

CeGaT Center for Human Genetics Tuebingen
Classification: Likely benign. Last evaluated: 2026-06-01. Review status: criteria provided, single submitter. Criteria: CeGaT Center For Human Genetics Tuebingen Variant Classification Criteria Version 2. Collection method: clinical testing. Allele origin: germline. Affected: yes. Observed: 14 variant alleles.
Comment: PIEZO1: BP4, BP7, BS2

Labcorp Genetics (formerly Invitae), Labcorp
Classification: Benign. Last evaluated: 2026-01-20. Review status: criteria provided, single submitter. Criteria: Invitae Variant Classification Sherloc (09022015). Collection method: clinical testing. Allele origin: germline.

Mayo Clinic Laboratories, Mayo Clinic
Classification: Likely benign. Last evaluated: 2025-11-24. Review status: criteria provided, single submitter. Criteria: ACMG Guidelines, 2015. Collection method: clinical testing. Allele origin: germline. Observed: 34 variant alleles.

ARUP Laboratories, Molecular Genetics and Genomics, ARUP Laboratories
Classification: Benign. Last evaluated: 2025-07-28. Review status: criteria provided, single submitter. Criteria: ARUP Molecular Germline Variant Investigation Process 2024. Collection method: clinical testing. Allele origin: germline.

Breakthrough Genomics
Classification: Likely benign. Review status: criteria provided, single submitter. Criteria: ACMG Guidelines, 2015. Collection method: not provided. Allele origin: germline. Inheritance: Autosomal recessive inheritance. Affected: yes.

PreventionGenetics, part of Exact Sciences
Classification: Benign for PIEZO1-related condition. Last evaluated: 2020-08-11. Review status: no assertion criteria provided. Collection method: clinical testing. Allele origin: germline. Not counted in ClinVar's aggregate classification.
Comment: This variant is classified as benign based on ACMG/AMP sequence variant interpretation guidelines (Richards et al. 2015 PMID: 25741868, with internal and published modifications).

Clinical Genetics, Academic Medical Center
Classification: Likely benign. Review status: no assertion criteria provided. Collection method: clinical testing. Allele origin: germline. Affected: yes. Study: VKGL Data-share Consensus. Not counted in ClinVar's aggregate classification.

Laboratory of Diagnostic Genome Analysis, Leiden University Medical Center (LUMC)
Classification: Likely benign. Review status: no assertion criteria provided. Collection method: clinical testing. Allele origin: germline. Affected: yes. Study: VKGL Data-share Consensus. Not counted in ClinVar's aggregate classification.

NM_001142864.4(PIEZO1):c.7041C>T (p.Asp2347=)

Gene: PIEZO1 (piezo type mechanosensitive ion channel component 1 (Er blood group); minus strand). Cytogenetic location: 16q24.3.
Variant type: single nucleotide variant.
Coding change: c.7041C>T on transcript NM_001142864.4 (MANE Select); coding-DNA position 7041, C replaced by T.
Protein change: p.Asp2347=; no amino-acid change (aspartic acid 2347 retained).
Molecular consequence: synonymous variant.
Genome position (GRCh38, 1-based): chr16:88,716,369, G>A on the plus strand (C>T on the coding strand, the complement: PIEZO1 is on the minus strand). VCF-style: chr16-88716369-G-A. GRCh37 (hg19) VCF-style: chr16-88782777-G-A.
Other names: p.Asp2347=.
Identifiers: ClinVar variation 780063 (VCV000780063.51), dbSNP rs34352064, ClinGen allele CA8231429.